The following is an entry in ClinVar:

NM_017780.4(CHD7):c.1737G>A (p.Gln579=)

Genes: CHD7 (chromodomain helicase DNA binding protein 7; plus strand), LOC126860403 (CDK7 strongly-dependent group 2 enhancer GRCh37_chr8:61693034-61694233; plus strand). Cytogenetic location: 8q12.2.
Variant type: single nucleotide variant.
Coding change: c.1737G>A on transcript NM_017780.4 (MANE Select); coding-DNA position 1737, G replaced by A.
Protein change: p.Gln579=; no amino-acid change (glutamine 579 retained).
Molecular consequence: synonymous variant. On other transcripts: intron variant (1).
Genome position (GRCh38, 1-based): chr8:60,781,071, G>A. VCF-style: chr8-60781071-G-A. GRCh37 (hg19) VCF-style: chr8-61693630-G-A.
Other names: c.1716+21G>A (NM_001316690.1).
Identifiers: ClinVar variation 529146 (VCV000529146.23), dbSNP rs747922099, ClinGen allele CA4759566.

ClinVar aggregate classification (germline): Likely benign. Review status: criteria provided, multiple submitters, no conflicts (2 of 4 stars). 6 submissions from 6 submitters: Likely benign (6). Last evaluated 2026-08-21.

Conditions:
Hypogonadotropic hypogonadism 5 with or without anosmia (KAL5). Also called: HYPOGONADOTROPIC HYPOGONADISM 5 WITH ANOSMIA; HYPOGONADOTROPHIC HYPOGONADISM 5 WITHOUT ANOSMIA; CHD7-Related GnRH Deficiency (Kallmann Syndrome 5). Identifiers: Orphanet 478, MedGen C3552553, MONDO:0012880, OMIM 612370. Disease mechanism: loss of function.
CHD7-related disorder. Also called: CHD7-related condition.
Inborn genetic diseases. Identifiers: MedGen C0950123, MeSH D030342.
CHARGE syndrome (CHARGE). Also called: Hittner Hirsch Kreh syndrome; Coloboma, heart anomaly, choanal atresia, retardation, genital and ear anomalies; CHARGE association; Hall-Hittner syndrome; CHARGE ASSOCIATION--COLOBOMA, HEART ANOMALY, CHOANAL ATRESIA, RETARDATION, GENITAL AND EAR ANOMALIES. Identifiers: Orphanet 138, MedGen C0265354, MONDO:0008965.

Allele frequency attached by ClinVar (database versions not stated): ExAC 0.00006; TOPMed 0.00017; gnomAD 0.00021 and 0.00024.
gnomAD v4.1: 70 of 1,610,896 alleles (0.0043%); highest among the groups gnomAD compares: Admixed American, 0.067%; no homozygotes.

Submissions (6):

PreventionGenetics, part of Exact Sciences
Classification: Likely benign for CHD7-related condition. Last evaluated: 2026-08-21. Review status: criteria provided, single submitter. Criteria: ACMG Guidelines, 2015. Collection method: clinical testing. Allele origin: germline.
Comment: This variant is classified as likely benign based on ACMG/AMP sequence variant interpretation guidelines (Richards et al. 2015 PMID: 25741868, with internal and published modifications).

Labcorp Genetics (formerly Invitae), Labcorp
Classification: Likely benign for CHARGE syndrome. Last evaluated: 2026-01-06. Review status: criteria provided, single submitter. Criteria: Invitae Variant Classification Sherloc (09022015). Collection method: clinical testing. Allele origin: germline.

Blueprint Genetics
Classification: Likely benign. Last evaluated: 2024-01-19. Review status: criteria provided, single submitter. Criteria: ACMG Guidelines, 2015. Collection method: clinical testing. Allele origin: germline.

GeneDx
Classification: Likely benign. Last evaluated: 2019-11-18. Review status: criteria provided, single submitter. Criteria: GeneDx Variant Classification Process June 2021. Collection method: clinical testing. Allele origin: germline. Affected: yes.

Illumina Laboratory Services, Illumina
Classification: Likely benign for Kallmann Syndrome 5. Last evaluated: 2018-01-12. Review status: criteria provided, single submitter. Criteria: ICSL Variant Classification Criteria 13 December 2019. Collection method: clinical testing. Allele origin: germline.
Comment: This variant was observed in the ICSL laboratory as part of a predisposition screen in an ostensibly healthy population. It had not been previously curated by ICSL or reported in the Human Gene Mutation Database (HGMD: prior to June 1st, 2018), and was therefore a candidate for classification through an automated scoring system. Utilizing variant allele frequency, disease prevalence and penetrance estimates, and inheritance mode, an automated score was calculated to assess if this variant is too frequent to cause the disease. Based on the score and internal cut-off values, a variant classified as likely benign is not then subjected to further curation. The score for this variant resulted in a classification of likely benign for this disease.

Ambry Genetics
Classification: Likely benign for Inborn genetic diseases. Last evaluated: 2017-05-02. Review status: criteria provided, single submitter. Criteria: Ambry Variant Classification Scheme 2023. Collection method: clinical testing. Allele origin: germline.